The following is an entry in ClinVar:

ClinVar aggregate classification (germline): Uncertain significance. Review status: criteria provided, multiple submitters, no conflicts (2 of 4 stars). 2 submissions from 2 submitters: Uncertain significance (2). Last evaluated 2025-06-15.

Allele frequency attached by ClinVar (database versions not stated): gnomAD 0.00001; TOPMed 0.00001; ExAC 0.00002; gnomAD exomes 0.00002.
gnomAD v4.1: 28 of 1,611,710 alleles (0.0017%); highest among the groups gnomAD compares: African/African-American, 0.004%; no homozygotes.

Submissions (2):

Labcorp Genetics (formerly Invitae), Labcorp
Classification: Uncertain significance. Last evaluated: 2025-06-15. Review status: criteria provided, single submitter. Criteria: Invitae Variant Classification Sherloc (09022015). Collection method: clinical testing. Allele origin: germline.
Comment: This sequence change replaces valine, which is neutral and non-polar, with isoleucine, which is neutral and non-polar, at codon 345 of the CEP97 protein (p.Val345Ile). This variant is present in population databases (rs753993583, gnomAD 0.003%). This variant has not been reported in the literature in individuals affected with CEP97-related conditions. ClinVar contains an entry for this variant (Variation ID: 2236406). Invitae Evidence Modeling of protein sequence and biophysical properties (such as structural, functional, and spatial information, amino acid conservation, physicochemical variation, residue mobility, and thermodynamic stability) indicates that this missense variant is not expected to disrupt CEP97 protein function with a negative predictive value of 80%. In summary, the available evidence is currently insufficient to determine the role of this variant in disease. Therefore, it has been classified as a Variant of Uncertain Significance.

Ambry Genetics
Classification: Uncertain significance. Last evaluated: 2021-07-13. Review status: criteria provided, single submitter. Criteria: Ambry Variant Classification Scheme 2023. Collection method: clinical testing. Allele origin: germline.

NM_024548.4(CEP97):c.1033G>A (p.Val345Ile)

Gene: CEP97 (centrosomal protein 97; plus strand). Cytogenetic location: 3q12.3.
Variant type: single nucleotide variant.
Coding change: c.1033G>A on transcript NM_024548.4 (MANE Select); coding-DNA position 1033, G replaced by A.
Protein change: p.Val345Ile; replaces valine 345 with isoleucine.
Molecular consequence: missense variant. On other transcripts: intron variant (1).
Genome position (GRCh38, 1-based): chr3:101,757,639, G>A. VCF-style: chr3-101757639-G-A. GRCh37 (hg19) VCF-style: chr3-101476483-G-A.
Other names: c.931G>A, p.Val311Ile (NM_001410784.1); c.1028-172G>A (NM_001303401.2); short protein forms V345I, V311I.
Identifiers: ClinVar variation 2236406 (VCV002236406.3), dbSNP rs753993583, ClinGen allele CA2522061.